The following is an entry in ClinVar:

ClinVar aggregate classification (germline): Uncertain significance (1 of 4 stars; one submission).

Conditions:
Dyskeratosis congenita, autosomal recessive 5 (DKCB5). Identifiers: MedGen C3554656, MONDO:0014076, OMIM 615190.
Pulmonary fibrosis and/or bone marrow failure, Telomere-related, 3. Also called: PULMONARY FIBROSIS AND/OR BONE MARROW FAILURE SYNDROME, TELOMERE-RELATED, 3. Identifiers: Orphanet 2032, MedGen C4225346, MONDO:0014613, OMIM 616373.

Allele frequency attached by ClinVar (database versions not stated): gnomAD exomes below 0.00001; TOPMed below 0.00001.
gnomAD v4.1: 1 of 1,609,232 alleles (0.000062%); highest among the groups gnomAD compares: Non-Finnish European, 0.000085%; no homozygotes.

Submission:

Labcorp Genetics (formerly Invitae), Labcorp
Classification: Uncertain significance for Dyskeratosis congenita, autosomal recessive 5; Pulmonary fibrosis and/or bone marrow failure, Telomere-related, 3. Last evaluated: 2022-01-08. Review status: criteria provided, single submitter. Criteria: Invitae Variant Classification Sherloc (09022015). Collection method: clinical testing. Allele origin: germline.
Comment: This sequence change falls in intron 27 of the RTEL1 gene. It does not directly change the encoded amino acid sequence of the RTEL1 protein. This variant is not present in population databases (gnomAD no frequency). This variant has not been reported in the literature in individuals affected with RTEL1-related conditions. Algorithms developed to predict the effect of sequence changes on RNA splicing suggest that this variant may disrupt the consensus splice site. In summary, the available evidence is currently insufficient to determine the role of this variant in disease. Therefore, it has been classified as a Variant of Uncertain Significance.

NM_001283009.2(RTEL1):c.2557-10T>G

Genes: RTEL1 (regulator of telomere elongation helicase 1; plus strand), RTEL1-TNFRSF6B (RTEL1-TNFRSF6B readthrough (NMD candidate); plus strand). Cytogenetic location: 20q13.33.
Variant type: single nucleotide variant.
Coding change: c.2557-10T>G on transcript NM_001283009.2 (MANE Select); 10 bases into the intron before coding-DNA position 2557, T replaced by G.
Molecular consequence: intron variant.
Genome position (GRCh38, 1-based): chr20:63,691,732, T>G. VCF-style: chr20-63691732-T-G. GRCh37 (hg19) VCF-style: chr20-62323085-T-G.
Other names: c.2629-10T>G (NM_032957.5); c.2557-10T>G (NM_016434.4); c.1888-10T>G (NM_001283010.1).
Identifiers: ClinVar variation 2187044 (VCV002187044.1), dbSNP rs1647684794, ClinGen allele CA2374932063.